The following is an entry in ClinVar:

NM_007346.4(OGFR):c.1956T>C (p.Asp652=)

Gene: OGFR (opioid growth factor receptor; plus strand). Cytogenetic location: 20q13.33.
Variant type: single nucleotide variant.
Coding change: c.1956T>C on transcript NM_007346.4 (MANE Select); coding-DNA position 1956, T replaced by C.
Protein change: p.Asp652=; no amino-acid change (aspartic acid 652 retained).
Molecular consequence: synonymous variant.
Genome position (GRCh38, 1-based): chr20:62,813,571, T>C. VCF-style: chr20-62813571-T-C. GRCh37 (hg19) VCF-style: chr20-61444923-T-C.
Identifiers: ClinVar variation 2652507 (VCV002652507.24), dbSNP rs141172367, ClinGen allele CA9948898.
Genomic context (GRCh38, chr20:62,813,571, plus strand): 5'-CGAGCCAGCCGAGAGCCCATCGGAGACCCCAGGCCCCAGCCCGGCAGGACCTACAAGGGA[T>C]GAGCCAGCCAAGGCGGGGGAGGCAGCAGAGTTGCAGGACGCAGAGGTGGAGTCTTCTGCC-3'
Protein context (NP_031372.2, residues 642-662): PGPSPAGPTR[Asp652=]EPAKAGEAAE

ClinVar aggregate classification (germline): Likely benign (1 of 4 stars; one submission).

Allele frequency attached by ClinVar (database versions not stated): gnomAD 0.00001; gnomAD exomes 0.00001; ExAC 0.00002; ESP Exome Variant Server 0.00170.
gnomAD v4.1: 16 of 1,599,640 alleles (0.001%); highest among the groups gnomAD compares: South Asian, 0.0011%; no homozygotes.

Submission:

CeGaT Center for Human Genetics Tuebingen
Classification: Likely benign. Last evaluated: 2024-10-01. Review status: criteria provided, single submitter. Criteria: CeGaT Center For Human Genetics Tuebingen Variant Classification Criteria Version 2. Collection method: clinical testing. Allele origin: germline. Affected: yes. Observed: 7 variant alleles.
Comment: OGFR: BP4, BP7